The following is an entry in ClinVar:

NM_001378120.1(MBD5):c.2213A>G (p.His738Arg)

Gene: MBD5 (methyl-CpG binding domain protein 5; plus strand). Cytogenetic location: 2q23.1.
Variant type: single nucleotide variant.
Coding change: c.2213A>G on transcript NM_001378120.1 (MANE Select); coding-DNA position 2213, A replaced by G.
Protein change: p.His738Arg; replaces histidine 738 with arginine.
Molecular consequence: missense variant.
Genome position (GRCh38, 1-based): chr2:148,470,156, A>G. VCF-style: chr2-148470156-A-G. GRCh37 (hg19) VCF-style: chr2-149227725-A-G.
Other names: c.2213A>G, p.His738Arg (NM_018328.5); short protein forms H738R.
Identifiers: ClinVar variation 512606 (VCV000512606.11), dbSNP rs528789050, ClinGen allele CA1900108.

ClinVar aggregate classification (germline): Conflicting classifications of pathogenicity. Review status: criteria provided, conflicting classifications (1 of 4 stars). 2 submissions from 2 submitters: Uncertain significance (1); Likely benign (1). Last evaluated 2022-08-23.

Conditions:
Intellectual developmental disorder, autosomal dominant 1. Also called: MBD5 Haploinsufficiency; Intellectual disability, autosomal dominant 1. Identifiers: Orphanet 228402, MedGen C1969562, MONDO:0007974, OMIM 156200.

Allele frequency attached by ClinVar (database versions not stated): 1000 Genomes Project 30x 0.00016; gnomAD exomes below 0.00001; gnomAD 0.00001; TOPMed 0.00001; 1000 Genomes Project 0.00020; ExAC 0.00001.
gnomAD v4.1: 4 of 1,613,894 alleles (0.00025%); highest among the groups gnomAD compares: South Asian, 0.0022%; no homozygotes.

Submissions (2):

Labcorp Genetics (formerly Invitae), Labcorp
Classification: Uncertain significance for Intellectual developmental disorder, autosomal dominant 1. Last evaluated: 2022-08-23. Review status: criteria provided, single submitter. Criteria: Invitae Variant Classification Sherloc (09022015). Collection method: clinical testing. Allele origin: germline.
Comment: This sequence change replaces histidine, which is basic and polar, with arginine, which is basic and polar, at codon 738 of the MBD5 protein (p.His738Arg). In summary, the available evidence is currently insufficient to determine the role of this variant in disease. Therefore, it has been classified as a Variant of Uncertain Significance. Algorithms developed to predict the effect of missense changes on protein structure and function are either unavailable or do not agree on the potential impact of this missense change (SIFT: "Deleterious"; PolyPhen-2: "Benign"; Align-GVGD: "Class C25"). ClinVar contains an entry for this variant (Variation ID: 512606). This variant has not been reported in the literature in individuals affected with MBD5-related conditions. This variant is present in population databases (rs528789050, gnomAD 0.003%).

GeneDx
Classification: Likely benign. Last evaluated: 2017-10-20. Review status: criteria provided, single submitter. Criteria: GeneDx Variant Classification (06012015). Collection method: clinical testing. Allele origin: germline. Affected: yes.
Comment: This variant is considered likely benign or benign based on one or more of the following criteria: it is a conservative change, it occurs at a poorly conserved position in the protein, it is predicted to be benign by multiple in silico algorithms, and/or has population frequency not consistent with disease.